The following is an entry in ClinVar:

ClinVar aggregate classification (germline): Conflicting classifications of pathogenicity. Review status: criteria provided, conflicting classifications (1 of 4 stars). 3 submissions from 3 submitters: Uncertain significance (2); Likely benign (1). Last evaluated 2023-11-02.

Conditions:
Cardiomyopathy (CMYO). Also called: Cardiomyopathies. Identifiers: Orphanet 167848, MedGen C0878544, MONDO:0004994, HP:0001638. Inheritance: Various modes of inheritance.
Hypertrophic cardiomyopathy. Also called: HYPERTROPHIC MYOCARDIOPATHY. Identifiers: Orphanet 217569, MedGen C0007194, MeSH D002312, MONDO:0005045, HP:0001639.

Submissions (3):

All of Us Research Program, National Institutes of Health
Classification: Uncertain significance for Hypertrophic cardiomyopathy. Last evaluated: 2023-11-02. Review status: criteria provided, single submitter. Criteria: ACMG Guidelines, 2015. Collection method: clinical testing. Allele origin: germline. Inheritance: Autosomal dominant inheritance. Observed: 1 variant allele, 1 heterozygote.
Comment: This variant causes a T to C nucleotide substitution at the -7 position of intron 12 of the MYBPC3 gene. To our knowledge, functional studies have not been reported for this variant. This variant has not been reported in individuals affected with MYBPC3-related disorders in the literature. This variant has not been identified in the general population by the Genome Aggregation Database (gnomAD). The available evidence is insufficient to determine the role of this variant in disease conclusively. Therefore, this variant is classified as a Variant of Uncertain Significance.

This study involves interpretation of variants in research participants for the purpose of population health screening. Participant phenotype was not available at the time of variant classification. Additional details can be found in publication PMID: 35346344, PMCID: PMC8962531

Labcorp Genetics (formerly Invitae), Labcorp
Classification: Likely benign for Hypertrophic cardiomyopathy. Last evaluated: 2023-07-16. Review status: criteria provided, single submitter. Criteria: Invitae Variant Classification Sherloc (09022015). Collection method: clinical testing. Allele origin: germline.

Color Diagnostics, LLC DBA Color Health
Classification: Uncertain significance for Cardiomyopathy. Last evaluated: 2023-05-23. Review status: criteria provided, single submitter. Criteria: ACMG Guidelines, 2015. Collection method: clinical testing. Allele origin: germline.
Comment: This variant causes a T to C nucleotide substitution at the -7 position of intron 12 of the MYBPC3 gene. To our knowledge, functional studies have not been reported for this variant. This variant has not been reported in individuals affected with MYBPC3-related disorders in the literature. This variant has not been identified in the general population by the Genome Aggregation Database (gnomAD). The available evidence is insufficient to determine the role of this variant in disease conclusively. Therefore, this variant is classified as a Variant of Uncertain Significance.

NM_000256.3(MYBPC3):c.1091-7T>C

Gene: MYBPC3 (myosin binding protein C3; minus strand). Cytogenetic location: 11p11.2.
Variant type: single nucleotide variant.
Coding change: c.1091-7T>C on transcript NM_000256.3 (MANE Select); 7 bases into the intron before coding-DNA position 1091, T replaced by C.
Molecular consequence: intron variant.
Genome position (GRCh38, 1-based): chr11:47,343,631, A>G on the plus strand (T>C on the coding strand, the complement: MYBPC3 is on the minus strand). VCF-style: chr11-47343631-A-G. GRCh37 (hg19) VCF-style: chr11-47365182-A-G.
Identifiers: ClinVar variation 1538120 (VCV001538120.11), dbSNP rs2142862333, ClinGen allele CA2573147074.